The following is an entry in ClinVar:

ClinVar aggregate classification (germline): Uncertain significance. Review status: criteria provided, single submitter (1 of 4 stars). 2 submissions from 2 submitters: Uncertain significance (1). 1 of the submissions does not count toward it. Last evaluated 2021-09-01.

Conditions:
Spongy degeneration of central nervous system. Also called: Von Bogaert-Bertrand disease; ACY2 DEFICIENCY; AMINOACYLASE 2 DEFICIENCY; ASP DEFICIENCY; ASPA DEFICIENCY; ASPARTOACYLASE DEFICIENCY. Identifiers: Orphanet 141, MedGen C0206307, MONDO:0010079, OMIM 271900.

Allele frequency attached by ClinVar (database versions not stated): gnomAD exomes below 0.00001 and 0.00001.
gnomAD v4.1: 20 of 1,610,248 alleles (0.0012%); highest among the groups gnomAD compares: Non-Finnish European, 0.0017%; no homozygotes.

Submissions (2):

Labcorp Genetics (formerly Invitae), Labcorp
Classification: Uncertain significance for Spongy degeneration of central nervous system. Last evaluated: 2021-09-01. Review status: criteria provided, single submitter. Criteria: Invitae Variant Classification Sherloc (09022015). Collection method: clinical testing. Allele origin: germline.
Comment: This sequence change replaces leucine with serine at codon 263 of the ASPA protein (p.Leu263Ser). The leucine residue is moderately conserved and there is a large physicochemical difference between leucine and serine. This variant is not present in population databases (ExAC no frequency). This variant has not been reported in the literature in individuals affected with ASPA-related conditions. Algorithms developed to predict the effect of missense changes on protein structure and function are either unavailable or do not agree on the potential impact of this missense change (SIFT: "Deleterious"; PolyPhen-2: "Probably Damaging"; Align-GVGD: "Class C0"). In summary, the available evidence is currently insufficient to determine the role of this variant in disease. Therefore, it has been classified as a Variant of Uncertain Significance.

Natera, Inc.
Classification: Uncertain significance for Canavan disease. Last evaluated: 2020-09-16. Review status: no assertion criteria provided. Collection method: clinical testing. Allele origin: germline. Not counted in ClinVar's aggregate classification.

NM_000049.4(ASPA):c.788T>C (p.Leu263Ser)

Genes: ASPA (aspartoacylase; plus strand), SPATA22 (spermatogenesis associated 22; minus strand). Cytogenetic location: 17p13.2.
Variant type: single nucleotide variant.
Coding change: c.788T>C on transcript NM_000049.4 (MANE Select); coding-DNA position 788, T replaced by C.
Protein change: p.Leu263Ser; replaces leucine 263 with serine.
Molecular consequence: missense variant. On other transcripts: intron variant (2).
Genome position (GRCh38, 1-based): chr17:3,498,934, T>C. VCF-style: chr17-3498934-T-C. GRCh37 (hg19) VCF-style: chr17-3402228-T-C.
Other names: c.788T>C, p.Leu263Ser (NM_001128085.1); c.-74+14478A>G (NM_001321336.2, NM_001321337.2); short protein forms L263S.
Identifiers: ClinVar variation 664904 (VCV000664904.8), dbSNP rs755061005, ClinGen allele CA287021016.